The following is an entry in ClinVar:

NM_198506.5(LRIT3):c.883G>A (p.Val295Ile)

Gene: LRIT3 (leucine rich repeat, Ig-like and transmembrane domains 3; plus strand). Cytogenetic location: 4q25.
Variant type: single nucleotide variant.
Coding change: c.883G>A on transcript NM_198506.5 (MANE Select); coding-DNA position 883, G replaced by A.
Protein change: p.Val295Ile; replaces valine 295 with isoleucine.
Molecular consequence: missense variant.
Genome position (GRCh38, 1-based): chr4:109,867,934, G>A. VCF-style: chr4-109867934-G-A. GRCh37 (hg19) VCF-style: chr4-110789090-G-A.
Other names: short protein forms V295I.
Identifiers: ClinVar variation 1389627 (VCV001389627.6), dbSNP rs2125901030, ClinGen allele CA357868508.

ClinVar aggregate classification (germline): Uncertain significance (1 of 4 stars; one submission).

Allele frequency attached by ClinVar (database versions not stated): gnomAD exomes below 0.00001.

Submission:

Labcorp Genetics (formerly Invitae), Labcorp
Classification: Uncertain significance. Last evaluated: 2022-02-23. Review status: criteria provided, single submitter. Criteria: Invitae Variant Classification Sherloc (09022015). Collection method: clinical testing. Allele origin: germline.
Comment: In summary, the available evidence is currently insufficient to determine the role of this variant in disease. Therefore, it has been classified as a Variant of Uncertain Significance. Algorithms developed to predict the effect of missense changes on protein structure and function are either unavailable or do not agree on the potential impact of this missense change (SIFT: "Deleterious"; PolyPhen-2: "Benign"; Align-GVGD: "Class C0"). This variant has not been reported in the literature in individuals affected with LRIT3-related conditions. This variant is not present in population databases (gnomAD no frequency). This sequence change replaces valine, which is neutral and non-polar, with isoleucine, which is neutral and non-polar, at codon 295 of the LRIT3 protein (p.Val295Ile).